The following is an entry in ClinVar:

ClinVar aggregate classification (germline): Uncertain significance. Review status: criteria provided, multiple submitters, no conflicts (2 of 4 stars). 2 submissions from 2 submitters: Uncertain significance (2). Last evaluated 2024-11-07.

Conditions:
Cardiovascular phenotype. Identifiers: MedGen CN230736.
Hereditary cancer-predisposing syndrome. Also called: Hereditary neoplastic syndrome; Hereditary Cancer Syndrome; Neoplastic Syndromes, Hereditary; Tumor predisposition. Identifiers: Orphanet 140162, MedGen C0027672, MeSH D009386, MONDO:0015356.
Neurofibromatosis, type 1 (NF1). Also called: Neurofibromatosis, type I; NEUROFIBROMATOSIS, TYPE I, SOMATIC; Peripheral type neurofibromatosis; VON RECKLINGHAUSEN DISEASE. Identifiers: Orphanet 636, MedGen C0027831, MONDO:0018975, OMIM 162200. Disease mechanism: loss of function.

Submissions (2):

Ambry Genetics
Classification: Uncertain significance for Cardiovascular phenotype; Hereditary cancer-predisposing syndrome. Last evaluated: 2024-11-07. Review status: criteria provided, single submitter. Criteria: Ambry Variant Classification Scheme 2023. Collection method: clinical testing. Allele origin: germline.
Comment: The c.61-3delC intronic variant, located in intron 1 of the NF1 gene, results from a deletion of one nucleotide within intron 1 of the NF1 gene. This nucleotide position is poorly conserved in available vertebrate species. In silico splice site analysis predicts that this alteration will not have any significant effect on splicing. Based on the available evidence, the clinical significance of this variant remains unclear.

Labcorp Genetics (formerly Invitae), Labcorp
Classification: Uncertain significance for Neurofibromatosis, type 1. Last evaluated: 2023-12-18. Review status: criteria provided, single submitter. Criteria: Invitae Variant Classification Sherloc (09022015). Collection method: clinical testing. Allele origin: germline.
Comment: This sequence change falls in intron 1 of the NF1 gene. It does not directly change the encoded amino acid sequence of the NF1 protein. It affects a nucleotide within the consensus splice site. This variant is not present in population databases (gnomAD no frequency). This variant has not been reported in the literature in individuals affected with NF1-related conditions. Variants that disrupt the consensus splice site are a relatively common cause of aberrant splicing (PMID: 17576681, 9536098). Algorithms developed to predict the effect of sequence changes on RNA splicing suggest that this variant is not likely to affect RNA splicing. In summary, the available evidence is currently insufficient to determine the role of this variant in disease. Therefore, it has been classified as a Variant of Uncertain Significance.

Literature cited by the submitters: PubMed 17576681 (cited by Labcorp Genetics (formerly Invitae), Labcorp); PubMed 9536098 (cited by Labcorp Genetics (formerly Invitae), Labcorp).

NM_001042492.3(NF1):c.61-3del

Gene: NF1 (neurofibromin 1; plus strand). Cytogenetic location: 17q11.2.
Variant type: Deletion.
Coding change: c.61-3del on transcript NM_001042492.3 (MANE Select); 3 bases into the intron before coding-DNA position 61, one base deleted (C; older notation c.61-3delC).
Molecular consequence: intron variant.
Genome position (GRCh38, 1-based): chr17:31,155,980, C deleted. VCF-style (leftmost placement, unchanged base first): chr17-31155979-TC-T. GRCh37 (hg19) VCF-style: chr17-29482997-TC-T.
Other names: c.61-3delC (NM_000267.3); c.61-3del (NM_000267.4, NM_001128147.3).
Identifiers: ClinVar variation 2725128 (VCV002725128.4), dbSNP rs2544680617, ClinGen allele CA2576222564.